The following is an entry in ClinVar:

NM_001354930.2(RIPK1):c.815C>T (p.Pro272Leu)

Gene: RIPK1 (receptor interacting serine/threonine kinase 1; plus strand). Cytogenetic location: 6p25.2.
Variant type: single nucleotide variant.
Coding change: c.815C>T on transcript NM_001354930.2 (MANE Select); coding-DNA position 815, C replaced by T.
Protein change: p.Pro272Leu; replaces proline 272 with leucine.
Molecular consequence: missense variant.
Genome position (GRCh38, 1-based): chr6:3,085,385, C>T. VCF-style: chr6-3085385-C-T. GRCh37 (hg19) VCF-style: chr6-3085619-C-T.
Other names: c.815C>T (NM_003804.3); c.326C>T, p.Pro109Leu (NM_001317061.3, NM_001354932.2, NM_001354933.2 and 1 more transcripts); c.677C>T, p.Pro226Leu (NM_001354931.2); c.815C>T, p.Pro272Leu (NM_003804.6); short protein forms P109L, P226L, P272L.
Identifiers: ClinVar variation 1299014 (VCV001299014.38), dbSNP rs1190113879, ClinGen allele CA362580997.

ClinVar aggregate classification (germline): Uncertain significance. Review status: criteria provided, multiple submitters, no conflicts (2 of 4 stars). 3 submissions from 3 submitters: Uncertain significance (3). Last evaluated 2026-06-04.

Conditions:
Inborn genetic diseases. Identifiers: MedGen C0950123, MeSH D030342.

Allele frequency attached by ClinVar (database versions not stated): gnomAD 0.00001; TOPMed 0.00001; gnomAD exomes 0.00002.
gnomAD v4.1: 29 of 1,614,012 alleles (0.0018%); highest among the groups gnomAD compares: South Asian, 0.02%; no homozygotes.

Submissions (3):

Ambry Genetics
Classification: Uncertain significance for Inborn genetic diseases. Last evaluated: 2026-06-04. Review status: criteria provided, single submitter. Criteria: Ambry Variant Classification Scheme 2023. Collection method: clinical testing. Allele origin: germline.

Labcorp Genetics (formerly Invitae), Labcorp
Classification: Uncertain significance. Last evaluated: 2024-02-23. Review status: criteria provided, single submitter. Criteria: Invitae Variant Classification Sherloc (09022015). Collection method: clinical testing. Allele origin: germline.
Comment: This sequence change replaces proline, which is neutral and non-polar, with leucine, which is neutral and non-polar, at codon 272 of the RIPK1 protein (p.Pro272Leu). This variant is present in population databases (no rsID available, gnomAD 0.01%). This variant has not been reported in the literature in individuals affected with RIPK1-related conditions. ClinVar contains an entry for this variant (Variation ID: 1299014). Algorithms developed to predict the effect of missense changes on protein structure and function output the following: SIFT: "Not Available"; PolyPhen-2: "Benign"; Align-GVGD: "Not Available". The leucine amino acid residue is found in multiple mammalian species, which suggests that this missense change does not adversely affect protein function. In summary, the available evidence is currently insufficient to determine the role of this variant in disease. Therefore, it has been classified as a Variant of Uncertain Significance.

CeGaT Center for Human Genetics Tuebingen
Classification: Uncertain significance. Last evaluated: 2021-07-01. Review status: criteria provided, single submitter. Criteria: CeGaT Center For Human Genetics Tuebingen Variant Classification Criteria Version 2. Collection method: clinical testing. Allele origin: germline. Affected: yes. Observed: 1 variant allele.